The following is an entry in ClinVar:

ClinVar aggregate classification (germline): Benign/Likely benign. Review status: criteria provided, multiple submitters, no conflicts (2 of 4 stars). 4 submissions from 4 submitters: Benign (1); Likely benign (3). Last evaluated 2026-01-05.

Allele frequency attached by ClinVar (database versions not stated): gnomAD exomes 0.00012; ESP Exome Variant Server 0.00015; TOPMed 0.00015; ExAC 0.00016; gnomAD 0.00017; 1000 Genomes Project 0.00060; 1000 Genomes Project 30x 0.00062.
gnomAD v4.1: 100 of 1,614,160 alleles (0.0062%); highest among the groups gnomAD compares: African/African-American, 0.04%; no homozygotes.

Submissions (4):

Labcorp Genetics (formerly Invitae), Labcorp
Classification: Benign. Last evaluated: 2026-01-05. Review status: criteria provided, single submitter. Criteria: Invitae Variant Classification Sherloc (09022015). Collection method: clinical testing. Allele origin: germline.

ARUP Laboratories, Molecular Genetics and Genomics, ARUP Laboratories
Classification: Likely benign. Last evaluated: 2025-03-11. Review status: criteria provided, single submitter. Criteria: ARUP Molecular Germline Variant Investigation Process 2024. Collection method: clinical testing. Allele origin: germline.

CeGaT Center for Human Genetics Tuebingen
Classification: Likely benign. Last evaluated: 2024-05-01. Review status: criteria provided, single submitter. Criteria: CeGaT Center For Human Genetics Tuebingen Variant Classification Criteria Version 2. Collection method: clinical testing. Allele origin: germline. Affected: yes. Observed: 1 variant allele.
Comment: SETBP1: BP4, BP7

GeneDx
Classification: Likely benign. Last evaluated: 2021-08-11. Review status: criteria provided, single submitter. Criteria: GeneDx Variant Classification Process June 2021. Collection method: clinical testing. Allele origin: germline. Affected: yes.

NM_015559.3(SETBP1):c.684C>T (p.Ser228=)

Gene: SETBP1 (SET binding protein 1; plus strand). Cytogenetic location: 18q12.3.
Variant type: single nucleotide variant.
Coding change: c.684C>T on transcript NM_015559.3 (MANE Select); coding-DNA position 684, C replaced by T.
Protein change: p.Ser228=; no amino-acid change (serine 228 retained).
Molecular consequence: synonymous variant.
Genome position (GRCh38, 1-based): chr18:44,950,024, C>T. VCF-style: chr18-44950024-C-T. GRCh37 (hg19) VCF-style: chr18-42529989-C-T.
Other names: c.684C>T, p.Ser228= (NM_001379141.1, NM_001379142.1).
Identifiers: ClinVar variation 1219390 (VCV001219390.31), dbSNP rs149073567, ClinGen allele CA8945482.
Genomic context (GRCh38, chr18:44,950,024, plus strand): 5'-AAAGCACCAGCAAAAAAGCAGCAGCCAGAACCACATGGACTGGTCCACCAACTCTGACAG[C>T]GGACCCGTCACTCAGAATTGCTTCATCAGTCCAGAGTCTGGCAGAGAAACTGCAAGCACC-3'
Protein context (NP_056374.2, residues 218-238): NHMDWSTNSD[Ser228=]GPVTQNCFIS